The following is an entry in ClinVar:

NM_001470.4(GABBR1):c.2546T>C (p.Leu849Pro)

Gene: GABBR1 (gamma-aminobutyric acid type B receptor subunit 1; minus strand). Cytogenetic location: 6p22.1.
Variant type: single nucleotide variant.
Coding change: c.2546T>C on transcript NM_001470.4 (MANE Select); coding-DNA position 2546, T replaced by C.
Protein change: p.Leu849Pro; replaces leucine 849 with proline.
Molecular consequence: missense variant.
Genome position (GRCh38, 1-based): chr6:29,604,882, A>G on the plus strand (T>C on the coding strand, the complement: GABBR1 is on the minus strand). VCF-style: chr6-29604882-A-G. GRCh37 (hg19) VCF-style: chr6-29572659-A-G.
Other names: c.2015T>C, p.Leu672Pro (NM_001319053.2); c.2195T>C, p.Leu732Pro (NM_021903.3); c.2360T>C, p.Leu787Pro (NM_021904.4); short protein forms L672P, L732P, L787P, L849P.
Identifiers: ClinVar variation 3376843 (VCV003376843.2).

ClinVar aggregate classification (germline): Likely pathogenic (1 of 4 stars; one submission).

Conditions:
Neurodevelopmental disorder with language delay and variable cognitive abnormalities (NEDLC). Identifiers: MedGen C5882689, MONDO:0957779, OMIM 620502.

Submission:

Victorian Clinical Genetics Services, Murdoch Childrens Research Institute
Classification: Likely pathogenic for Neurodevelopmental disorder with language delay and variable cognitive abnormalities. Last evaluated: 2026-05-28. Review status: criteria provided, single submitter. Criteria: ACMG Guidelines, 2015. Collection method: clinical testing. Allele origin: germline. Affected: yes.
Comment: This variant is classified as Likely pathogenic. Evidence in support of pathogenic classification: Variant is absent from gnomAD (v2, v3 and v4); Missense variant predicted to be damaging by in silico tool(s) or highly conserved with a major amino acid change; Additional information: Variant is predicted to result in a missense amino acid change from Leu to Pro; This gene is associated with autosomal dominant disease; This variant has no previous evidence of pathogenicity; No published segregation evidence has been identified for this variant; No published functional evidence has been identified for this variant; No comparable missense variants have previous evidence for pathogenicity; Variant is located in the annotated transmembrane domain (DECIPHER) - Loss of function is a known mechanism of disease in this gene and is associated with neurodevelopmental disorder with language delay and variable cognitive abnormalities (MIM#620502; PMID:36103875).

Literature cited by the submitters: PubMed 36103875.